The following is an entry in ClinVar:

NM_000303.3(PMM2):c.448-1_448del

Gene: PMM2 (phosphomannomutase 2; plus strand). Cytogenetic location: 16p13.2.
Variant type: Deletion.
Coding change: c.448-1_448del on transcript NM_000303.3 (MANE Select); the canonical splice acceptor site of the intron before coding-DNA position 448 through coding-DNA position 448, 2 bases deleted (GA; older notation c.448-1_448delGA).
Molecular consequence: splice acceptor variant.
Genome position (GRCh38, 1-based): chr16:8,811,637-8,811,638, GA deleted; deleting any 2 consecutive bases within chr16:8,811,636-8,811,638 gives the same sequence; the c. name uses the placement nearest the transcript's 3' end. VCF-style (leftmost placement, unchanged base first): chr16-8811635-CAG-C. GRCh37 (hg19) VCF-style: chr16-8905492-CAG-C.
Other names: c.448-1_448delGA (NM_000303.2).
Identifiers: ClinVar variation 966839 (VCV000966839.17), dbSNP rs1414007551, ClinGen allele CA725531733.
Genomic context (GRCh38, chr16:8,811,635, plus strand): 5'-GTTAAAACTGTGCTTTCTAAACTGCAATACAAGAAACAATTGGTATCTTTTTGTTTTTCT[CAG>C]AAAGAAAATATAAGACAAAAGTTTGTAGCAGATCTACGGAAAGAGTTTGCTGGAAAAGGC-3'

ClinVar aggregate classification (germline): Likely pathogenic. Review status: criteria provided, multiple submitters, no conflicts (2 of 4 stars). 5 submissions from 5 submitters: Likely pathogenic (5). Last evaluated 2024-07-17.

Conditions:
PMM2-congenital disorder of glycosylation. Also called: Congenital disorder of glycosylation, type Ia; PHOSPHOMANNOMUTASE 2 DEFICIENCY; CARBOHYDRATE-DEFICIENT GLYCOPROTEIN SYNDROME, TYPE Ia; CDG Ia; JAEKEN SYNDROME; PMM2-CDG. Identifiers: Orphanet 79318, MedGen C0349653, MONDO:0008907, OMIM 212065.

Submissions (5):

Natera, Inc.
Classification: Likely pathogenic for Congenital disorder of glycosylation type 1a. Last evaluated: 2024-07-17. Review status: criteria provided, single submitter. Criteria: Natera Variant Classification Schema (03/2026). Collection method: clinical testing. Allele origin: germline.
Comment: The c.448-1_448delGA variant in PMM2 is a canonical splice acceptor site variant predicted to affect pre-mRNA splicing, which may result in an abnormal transcript and altered protein product. This variant is expected to result in nonsense mediated decay, truncation, or a dysfunctional protein product. This variant is rare in the general population with a frequency below the threshold expected for the associated phenotype(s). Given the available evidence, this variant is classified as Likely Pathogenic.

Labcorp Genetics (formerly Invitae), Labcorp
Classification: Likely pathogenic for PMM2-congenital disorder of glycosylation. Last evaluated: 2023-04-11. Review status: criteria provided, single submitter. Criteria: Invitae Variant Classification Sherloc (09022015). Collection method: clinical testing. Allele origin: germline.
Comment: In summary, the currently available evidence indicates that the variant is pathogenic, but additional data are needed to prove that conclusively. Therefore, this variant has been classified as Likely Pathogenic. Algorithms developed to predict the effect of sequence changes on RNA splicing suggest that this variant may disrupt the consensus splice site. ClinVar contains an entry for this variant (Variation ID: 966839). This variant has not been reported in the literature in individuals affected with PMM2-related conditions. This variant is not present in population databases (gnomAD no frequency). This variant results in the deletion of part of exon 6 (c.448-1_448del) of the PMM2 gene. It is expected to disrupt RNA splicing. Variants that disrupt the donor or acceptor splice site typically lead to a loss of protein function (PMID: 16199547), and loss-of-function variants in PMM2 are known to be pathogenic (PMID: 19862844).

Women's Health and Genetics/Laboratory Corporation of America, LabCorp
Classification: Likely pathogenic for PMM2-congenital disorder of glycosylation. Last evaluated: 2022-10-10. Review status: criteria provided, single submitter. Criteria: LabCorp Variant Classification Summary - May 2015. Collection method: clinical testing. Allele origin: germline.
Comment: Variant summary: PMM2 c.448-1_448delGA is located in a canonical splice-site and is predicted to affect mRNA splicing resulting in a significantly altered protein due to either exon skipping, shortening, or inclusion of intronic material. Several computational tools predict a significant impact on normal splicing: Four predict the variant abolishes a 3' acceptor site. Four predict the variant creates a 3' acceptor site. However, these predictions have yet to be confirmed by functional studies. The variant was absent in 251184 control chromosomes. To our knowledge, no occurrence of c.448-1_448delGA in individuals affected with Congenital Disorder Of Glycosylation Type 1a and no experimental evidence demonstrating its impact on protein function have been reported. Two clinical diagnostic laboratories have submitted clinical-significance assessments for this variant to ClinVar after 2014 without evidence for independent evaluation. All laboratories classified the variant as likely pathogenic. Based on the evidence outlined above, the variant was classified as likely pathogenic.

Genetic Services Laboratory, University of Chicago
Classification: Likely pathogenic. Last evaluated: 2020-03-11. Review status: criteria provided, single submitter. Criteria: ACMG Guidelines, 2015. Collection method: clinical testing. Allele origin: germline. Affected: yes.
Comment: DNA sequence analysis of the PMM2 gene demonstrated a two base pair deletion encompassing the canonical splice acceptor site in intron 5, .c.448-1_448del. This sequence change does not appear to have been previously described in patients with PMM2-related disorders. It is absent from the population databases (ExAC and gnomAD). Based on in silico splice prediction programs, this sequence change likely affects normal splicing of the PMM2 gene, which would result in an abnormal protein, however functional studies have not been performed to prove this conclusively. These collective evidences indicate that this sequence change is likely pathogenic.

Juno Genomics, Hangzhou Juno Genomics, Inc
Classification: Likely pathogenic for PMM2-congenital disorder of glycosylation. Review status: criteria provided, single submitter. Criteria: ACMG Guidelines, 2015. Collection method: clinical testing. Allele origin: germline.
Comment: Absent from controls (or at extremely low frequency if recessive) in Genome Aggregation Database.;Null variant in a gene where loss of function (LOF) is a known mechanism of disease.

Literature cited by the submitters: PubMed 16199547 (cited by Labcorp Genetics (formerly Invitae), Labcorp); PubMed 19862844 (cited by Labcorp Genetics (formerly Invitae), Labcorp).